The following is an entry in ClinVar:

NM_004456.5(EZH2):c.1330A>G (p.Met444Val)

Gene: EZH2 (enhancer of zeste 2 polycomb repressive complex 2 subunit; minus strand). Cytogenetic location: 7q36.1.
Variant type: single nucleotide variant.
Coding change: c.1330A>G on transcript NM_004456.5 (MANE Select); coding-DNA position 1330, A replaced by G.
Protein change: p.Met444Val; replaces methionine 444 with valine.
Molecular consequence: missense variant.
Genome position (GRCh38, 1-based): chr7:148,817,302, T>C on the plus strand (A>G on the coding strand, the complement: EZH2 is on the minus strand). VCF-style: chr7-148817302-T-C. GRCh37 (hg19) VCF-style: chr7-148514394-T-C.
Other names: c.1315A>G, p.Met439Val (NM_001203247.2); c.1288A>G, p.Met430Val (NM_001203248.2, NM_001203249.2); c.1198A>G, p.Met400Val (NM_152998.3); short protein forms M439V, M444V, M430V, M400V.
Identifiers: ClinVar variation 861828 (VCV000861828.10), dbSNP rs1425631167, ClinGen allele CA369715144.
Genomic context (GRCh38, chr7:148,817,302, plus strand): 5'-CAATTAACCTAGCAATGGCACAGAAATTGTCATAGTAAGTGCCAATGAGGACTCTAAACA[T>C]TGAGGCTTCAGCACCACTCCACTCCACATTCTCAGGAGGTTCAATATTTGGCTTCATCTT-3'
Protein context (NP_004447.2, residues 434-454): NVEWSGAEAS[Met444Val]FRVLIGTYYD

ClinVar aggregate classification (germline): Uncertain significance (1 of 4 stars; one submission).

Conditions:
Weaver syndrome (WVS). Also called: Weaver Smith syndrome; Overgrowth syndrome with accelerated skeletal maturation, unusual facies, and camptodactyly. Identifiers: Orphanet 3447, MedGen C0265210, MONDO:0010193, OMIM 277590.

Allele frequency attached by ClinVar (database versions not stated): gnomAD exomes below 0.00001; TOPMed below 0.00001.
gnomAD v4.1: 5 of 1,614,000 alleles (0.00031%); highest among the groups gnomAD compares: Non-Finnish European, 0.00042%; no homozygotes.

Submission:

Labcorp Genetics (formerly Invitae), Labcorp
Classification: Uncertain significance for Weaver syndrome. Last evaluated: 2019-12-16. Review status: criteria provided, single submitter. Criteria: Invitae Variant Classification Sherloc (09022015). Collection method: clinical testing. Allele origin: germline.
Comment: In summary, the available evidence is currently insufficient to determine the role of this variant in disease. Therefore, it has been classified as a Variant of Uncertain Significance. Algorithms developed to predict the effect of missense changes on protein structure and function (SIFT, PolyPhen-2, Align-GVGD) all suggest that this variant is likely to be tolerated, but these predictions have not been confirmed by published functional studies and their clinical significance is uncertain. This variant has not been reported in the literature in individuals with EZH2-related conditions. This variant is not present in population databases (ExAC no frequency). This sequence change replaces methionine with valine at codon 444 of the EZH2 protein (p.Met444Val). The methionine residue is moderately conserved and there is a small physicochemical difference between methionine and valine.